The following is an entry in ClinVar:

ClinVar aggregate classification (germline): Benign. Review status: reviewed by expert panel (3 of 4 stars). 4 submissions from 4 submitters: Benign (1). 3 of the submissions do not count toward it. Last evaluated 2022-07-05.

Conditions:
Hereditary thrombocytopenia and hematological cancer predisposition syndrome associated with RUNX1. Also called: PLATELET DISORDER, ASPIRIN-LIKE; Familial Platelet Disorder with Propensity to Acute Myelogenous Leukemia; Familial thrombocytopenia with propensity to acute myelogenous leukemia; RUNX1 Familial Platelet Disorder with Associated Myeloid Malignancies. Identifiers: Orphanet 71290, MedGen C1832388, MeSH C563324, MONDO:0100083, OMIM 601399.
Hereditary thrombocytopenia and hematologic cancer predisposition syndrome. Identifiers: Orphanet 71290, MedGen CN281654, MONDO:0011071.
Inborn genetic diseases. Identifiers: MedGen C0950123, MeSH D030342.
Hereditary cancer-predisposing syndrome. Also called: Neoplastic Syndromes, Hereditary; Tumor predisposition; Hereditary neoplastic syndrome; Hereditary Cancer Syndrome. Identifiers: Orphanet 140162, MedGen C0027672, MeSH D009386, MONDO:0015356.

Allele frequency attached by ClinVar (database versions not stated): gnomAD 0.00001; ExAC 0.00002; gnomAD exomes 0.00002; TOPMed 0.00005.
gnomAD v4.1: 28 of 1,613,966 alleles (0.0017%); highest among the groups gnomAD compares: South Asian, 0.019%; no homozygotes.

Submissions (4):

ClinGen Myeloid Malignancy Variant Curation Expert Panel
Classification: Benign for Hereditary thrombocytopenia and hematologic cancer predisposition syndrome. Last evaluated: 2022-07-05. Review status: reviewed by expert panel. Criteria: ClinGen MyeloMalig ACMG Specifications v2. Collection method: curation. Allele origin: germline. Inheritance: Autosomal dominant inheritance.
Comment: The MAF of the NM_001754.4(RUNX1):c.423G>A (p.Ser141=) variant is 0.0001633 (0.016%, 5/30614 alleles, 251394 alleles) in the South Asian cohort (gnomAD), which is between 0.00015 (0.015%) and 0.0015 (0.15%) (BS1). This synonymous variant is predicted by SSF and MES to lead to either an increase in the canonical splice site score or a decrease of the canonical splice site score by no more than 10% and no putative cryptic splice sites are created (BP4). In addition, evolutionary conservation prediction algorithms predict the site as not being highly conserved (PhyloP score: -1.49 < 0.1 [-14.1;6.4]) (BP7). In summary, this variant meets criteria to be classified as likely benign. ACMG/AMP criteria applied, as specified by the ClinGen Myeloid Malignancy Variant Curation Expert Panel for RUNX1: BS1, BP4, and BP7.

Labcorp Genetics (formerly Invitae), Labcorp
Classification: Likely benign for Hereditary thrombocytopenia and hematological cancer predisposition syndrome associated with RUNX1. Last evaluated: 2025-11-12. Review status: criteria provided, single submitter. Criteria: Invitae Variant Classification Sherloc (09022015). Collection method: clinical testing. Allele origin: germline. Not counted in ClinVar's aggregate classification.

Ambry Genetics
Classification: Likely benign for Inborn genetic diseases. Last evaluated: 2025-02-16. Review status: criteria provided, single submitter. Criteria: Ambry Variant Classification Scheme 2023. Collection method: clinical testing. Allele origin: germline. Not counted in ClinVar's aggregate classification.

Sema4
Classification: Likely benign for Hereditary cancer-predisposing syndrome. Last evaluated: 2021-10-06. Review status: criteria provided, single submitter. Criteria: Sema4 Curation Guidelines. Collection method: curation. Allele origin: germline. Not counted in ClinVar's aggregate classification.

NM_001754.5(RUNX1):c.423G>A (p.Ser141=)

Genes: RUNX1 (RUNX family transcription factor 1; minus strand), RUNX1-AS1 (RUNX1 antisense RNA 1; plus strand). Cytogenetic location: 21q22.12.
Variant type: single nucleotide variant.
Coding change: c.423G>A on transcript NM_001754.5 (MANE Select); coding-DNA position 423, G replaced by A.
Protein change: p.Ser141=; no amino-acid change (serine 141 retained).
Molecular consequence: synonymous variant.
Genome position (GRCh38, 1-based): chr21:34,880,642, C>T on the plus strand (G>A on the coding strand, the complement: RUNX1 is on the minus strand). VCF-style: chr21-34880642-C-T. GRCh37 (hg19) VCF-style: chr21-36252939-C-T.
Other names: c.423G>A (NM_001754.4); c.342G>A, p.Ser114= (NM_001001890.3, NM_001122607.2).
Identifiers: ClinVar variation 463996 (VCV000463996.15), dbSNP rs745649956, ClinGen allele CA10014519.